The following is an entry in ClinVar:

ClinVar aggregate classification (germline): Uncertain significance. Review status: criteria provided, multiple submitters, no conflicts (2 of 4 stars). 4 submissions from 4 submitters: Uncertain significance (4). Last evaluated 2022-10-17.

Conditions:
Cardiovascular phenotype. Identifiers: MedGen CN230736.
Hypertrophic cardiomyopathy 9. Also called: Familial hypertrophic cardiomyopathy 9. Identifiers: MedGen C1861065, MONDO:0013412, OMIM 613765.
Dilated cardiomyopathy 1G (CMD1G). Identifiers: Orphanet 154, MedGen C1858763, MONDO:0011400, OMIM 604145.
Tibial muscular dystrophy (TMD). Also called: Udd Distal Myopathy – Tibial Muscular Dystrophy; UDD MYOPATHY; Tibial muscular dystrophy, tardive. Identifiers: Orphanet 609, MedGen C1838244, MONDO:0010870, OMIM 600334.
Early-onset myopathy with fatal cardiomyopathy (CMYO5). Also called: Salih Myopathy; CONGENITAL MYOPATHY 5 WITH CARDIOMYOPATHY. Identifiers: Orphanet 289377, MedGen C2673677, MONDO:0012714, OMIM 611705. Disease mechanism: loss of function.
Myopathy, myofibrillar, 9, with early respiratory failure (MFM9). Also called: EDSTROM MYOPATHY; MYOPATHY, PROXIMAL, WITH EARLY RESPIRATORY MUSCLE INVOLVEMENT; Hereditary myopathy with early respiratory failure; Myopathy, distal, with early respiratory failure, autosomal dominant. Identifiers: Orphanet 178464, Orphanet 34521, MedGen C1863599, MONDO:0011362, OMIM 603689.
Autosomal recessive limb-girdle muscular dystrophy type 2J (LGMDR10). Also called: Limb-girdle muscular dystrophy, type 2J; MUSCULAR DYSTROPHY, LIMB-GIRDLE, AUTOSOMAL RECESSIVE 10. Identifiers: Orphanet 140922, MedGen C1837342, MONDO:0012127, OMIM 608807.

Allele frequency attached by ClinVar (database versions not stated): gnomAD exomes below 0.00001 and 0.00001; gnomAD 0.00002 and 0.00003; TOPMed 0.00002.
gnomAD v4.1: 9 of 1,610,818 alleles (0.00056%); highest among the groups gnomAD compares: African/African-American, 0.0094%; no homozygotes.

Submissions (4):

Revvity Omics, Revvity
Classification: Uncertain significance. Last evaluated: 2022-10-17. Review status: criteria provided, single submitter. Criteria: ACMG Guidelines, 2015. Collection method: clinical testing. Allele origin: germline.

Mayo Clinic Laboratories, Mayo Clinic
Classification: Uncertain significance. Last evaluated: 2021-12-21. Review status: criteria provided, single submitter. Criteria: ACMG Guidelines, 2015. Collection method: clinical testing. Allele origin: germline.

Fulgent Genetics
Classification: Uncertain significance for Tibial muscular dystrophy; Myopathy, myofibrillar, 9, with early respiratory failure; Dilated cardiomyopathy 1G; Autosomal recessive limb-girdle muscular dystrophy type 2J; Early-onset myopathy with fatal cardiomyopathy; Hypertrophic cardiomyopathy 9. Last evaluated: 2021-08-12. Review status: criteria provided, single submitter. Criteria: ACMG Guidelines, 2015. Collection method: clinical testing. Allele origin: unknown.

Ambry Genetics
Classification: Uncertain significance for Cardiovascular phenotype. Last evaluated: 2020-02-28. Review status: criteria provided, single submitter. Criteria: Ambry Variant Classification Scheme 2023. Collection method: clinical testing. Allele origin: germline.
Comment: The p.P23247S variant (also known as c.69739C>T), located in coding exon 175 of the TTN gene, results from a C to T substitution at nucleotide position 69739. The proline at codon 23247 is replaced by serine, an amino acid with similar properties. This amino acid position is well conserved in available vertebrate species; however, serine is the reference amino acid in other vertebrate species. In addition, this alteration is predicted to be tolerated by in silico analysis. Since supporting evidence is limited at this time, the clinical significance of this alteration remains unclear.

NM_001267550.2(TTN):c.96934C>T (p.Pro32312Ser)

Genes: TTN (titin; minus strand), TTN-AS1 (TTN antisense RNA 1; plus strand), LOC126806421 (CDK7 strongly-dependent group 2 enhancer GRCh37_chr2:179407630-179408829; plus strand). Cytogenetic location: 2q31.2.
Variant type: single nucleotide variant.
Coding change: c.96934C>T on transcript NM_001267550.2 (MANE Select); coding-DNA position 96934, C replaced by T.
Protein change: p.Pro32312Ser; replaces proline 32312 with serine.
Molecular consequence: missense variant.
Genome position (GRCh38, 1-based): chr2:178,542,920, G>A on the plus strand (C>T on the coding strand, the complement: TTN is on the minus strand). VCF-style: chr2-178542920-G-A. GRCh37 (hg19) VCF-style: chr2-179407647-G-A.
Other names: p.Pro30671Ser; c.92011C>T, p.Pro30671Ser (NM_001256850.1); c.69739C>T, p.Pro23247Ser (NM_003319.4); c.89230C>T, p.Pro29744Ser (NM_133378.4); c.70114C>T, p.Pro23372Ser (NM_133432.3); c.70315C>T, p.Pro23439Ser (NM_133437.4); short protein forms P23247S, P23372S, P23439S, P29744S, P30671S, P32312S.
Identifiers: ClinVar variation 1693832 (VCV001693832.10), dbSNP rs1024823449, ClinGen allele CA60969429.
Genomic context (GRCh38, chr2:178,542,920, plus strand): 5'-CAGCAATAGGTATCACCAGCTCTACTGGTCTGCCAGCTGGGACATGGATGGTCTTCTGAG[G>A]CATTGTAGAAAGATCGATTGTTGGCAACACTATGGGAAAGAAATCAGGCATTTATTCTTA-3'
Protein context (NP_001254479.2, residues 32302-32322): VLPTIDLSTM[Pro32312Ser]QKTIHVPAGR